The following is an entry in ClinVar:

NM_005121.3(MED13):c.3155G>C (p.Arg1052Thr)

Gene: MED13 (mediator complex subunit 13; minus strand). Cytogenetic location: 17q23.2.
Variant type: single nucleotide variant.
Coding change: c.3155G>C on transcript NM_005121.3 (MANE Select); coding-DNA position 3155, G replaced by C.
Protein change: p.Arg1052Thr; replaces arginine 1052 with threonine.
Molecular consequence: missense variant.
Genome position (GRCh38, 1-based): chr17:61,982,848, C>G on the plus strand (G>C on the coding strand, the complement: MED13 is on the minus strand). VCF-style: chr17-61982848-C-G. GRCh37 (hg19) VCF-style: chr17-60060209-C-G.
Other names: short protein forms R1052T.
Identifiers: ClinVar variation 3294003 (VCV003294003.2).

ClinVar aggregate classification (germline): Uncertain significance. Review status: criteria provided, multiple submitters, no conflicts (2 of 4 stars). 2 submissions from 2 submitters: Uncertain significance (2). Last evaluated 2025-08-15.

Conditions:
Inborn genetic diseases. Identifiers: MedGen C0950123, MeSH D030342.

Submissions (2):

GeneDx
Classification: Uncertain significance. Last evaluated: 2025-08-15. Review status: criteria provided, single submitter. Criteria: GeneDx Variant Classification Process June 2021. Collection method: clinical testing. Allele origin: germline. Affected: yes.
Comment: Not observed at significant frequency in large population cohorts (gnomAD); In silico analysis supports that this missense variant has a deleterious effect on protein structure/function; Has not been previously published as pathogenic or benign to our knowledge

Ambry Genetics
Classification: Uncertain significance for Inborn genetic diseases. Last evaluated: 2024-06-11. Review status: criteria provided, single submitter. Criteria: Ambry Variant Classification Scheme 2023. Collection method: clinical testing. Allele origin: germline.